The following is an entry in ClinVar:

NM_001376.5(DYNC1H1):c.9659G>A (p.Arg3220His)

Gene: DYNC1H1 (dynein cytoplasmic 1 heavy chain 1; plus strand). Cytogenetic location: 14q32.31.
Variant type: single nucleotide variant.
Coding change: c.9659G>A on transcript NM_001376.5 (MANE Select); coding-DNA position 9659, G replaced by A.
Protein change: p.Arg3220His; replaces arginine 3220 with histidine.
Molecular consequence: missense variant.
Genome position (GRCh38, 1-based): chr14:102,029,835, G>A. VCF-style: chr14-102029835-G-A. GRCh37 (hg19) VCF-style: chr14-102496172-G-A.
Other names: short protein forms R3220H.
Identifiers: ClinVar variation 1515863 (VCV001515863.6), dbSNP rs868813394, ClinGen allele CA266964446.

ClinVar aggregate classification (germline): Uncertain significance (1 of 4 stars; one submission).

Conditions:
Charcot-Marie-Tooth disease axonal type 2O. Also called: CHARCOT-MARIE-TOOTH NEUROPATHY, AXONAL, TYPE 2O; CHARCOT-MARIE-TOOTH DISEASE, AXONAL, AUTOSOMAL DOMINANT, TYPE 2O; Charcot-Marie-Tooth Neuropathy Type 2O; Charcot-Marie-Tooth disease, axonal, type 20. Identifiers: Orphanet 284232, MedGen C3280220, MONDO:0013644, OMIM 614228.

Allele frequency attached by ClinVar (database versions not stated): gnomAD exomes below 0.00001.
gnomAD v4.1: 2 of 1,614,122 alleles (0.00012%); highest among the groups gnomAD compares: Non-Finnish European, 0.00017%; no homozygotes.

Submission:

Labcorp Genetics (formerly Invitae), Labcorp
Classification: Uncertain significance for Charcot-Marie-Tooth disease axonal type 2O. Last evaluated: 2025-09-15. Review status: criteria provided, single submitter. Criteria: Invitae Variant Classification Sherloc (09022015). Collection method: clinical testing. Allele origin: germline.
Comment: This sequence change replaces arginine, which is basic and polar, with histidine, which is basic and polar, at codon 3220 of the DYNC1H1 protein (p.Arg3220His). This variant is not present in population databases (gnomAD no frequency). This variant has not been reported in the literature in individuals affected with DYNC1H1-related conditions. ClinVar contains an entry for this variant (Variation ID: 1515863). Invitae Evidence Modeling of protein sequence and biophysical properties (such as structural, functional, and spatial information, amino acid conservation, physicochemical variation, residue mobility, and thermodynamic stability) has been performed for this missense variant. However, the output from this modeling did not meet the statistical confidence thresholds required to predict the impact of this variant on DYNC1H1 protein function. In summary, the available evidence is currently insufficient to determine the role of this variant in disease. Therefore, it has been classified as a Variant of Uncertain Significance.